The following is an entry in ClinVar:

ClinVar aggregate classification (germline): Uncertain significance (1 of 4 stars; one submission).

Conditions:
Wilms tumor 1 (WT1). Also called: Wilms tumor, somatic. Identifiers: Orphanet 654, MedGen CN033288, MONDO:0008679, OMIM 194070.

Submission:

Labcorp Genetics (formerly Invitae), Labcorp
Classification: Uncertain significance for Wilms tumor 1. Last evaluated: 2022-08-25. Review status: criteria provided, single submitter. Criteria: Invitae Variant Classification Sherloc (09022015). Collection method: clinical testing. Allele origin: germline.
Comment: This variant has not been reported in the literature in individuals affected with GPC3-related conditions. Experimental studies and prediction algorithms are not available or were not evaluated, and the functional significance of this variant is currently unknown. In summary, the available evidence is currently insufficient to determine the role of this variant in disease. Therefore, it has been classified as a Variant of Uncertain Significance. This variant is not present in population databases (gnomAD no frequency). This variant, c.1601_1603del, results in the deletion of 1 amino acid(s) of the GPC3 protein (p.Asp534del), but otherwise preserves the integrity of the reading frame.

NM_004484.4(GPC3):c.1598ATG[1] (p.Asp534del)

Gene: GPC3 (glypican 3; minus strand). Cytogenetic location: Xq26.2.
Variant type: Microsatellite.
Coding change: c.1598ATG[1] on transcript NM_004484.4 (MANE Select); one copy of the 3-base unit ATG starting at c.1598; the reference has two copies in a row; one copy, 3 bases deleted.
Protein change: p.Asp534del; deletes aspartic acid 534.
Molecular consequence: inframe deletion.
Genome position (GRCh38, 1-based): chrX:133,536,264-133,536,266, CAT deleted on the plus strand (ATG on the coding strand, the reverse complement: GPC3 is on the minus strand); deleting any 3 consecutive bases within chrX:133,536,264-133,536,270 gives the same sequence; the position shown is the placement nearest the transcript's 3' end. VCF-style (leftmost placement, unchanged base first): chrX-133536263-GCAT-G. GRCh37 (hg19) VCF-style: chrX-132670291-GCAT-G.
Other names: c.1667ATG[1], p.Asp557del (NM_001164617.2); c.1550ATG[1], p.Asp518del (NM_001164618.2); c.1436ATG[1], p.Asp480del (NM_001164619.2); short protein forms D480del, D534del, D557del, D518del.
Identifiers: ClinVar variation 2026578 (VCV002026578.4), dbSNP rs2520463980, ClinGen allele CA2580612487.